The following is an entry in ClinVar:

ClinVar aggregate classification (germline): Uncertain significance (1 of 4 stars; one submission).

Conditions:
Glycine encephalopathy. Also called: Nonketotic hyperglycinemia; Non-ketotic hyperglycinemia. Identifiers: Orphanet 407, MedGen C0751748, MONDO:0011612, HP:0008288.

Allele frequency attached by ClinVar (database versions not stated): gnomAD exomes below 0.00001.

Submission:

Labcorp Genetics (formerly Invitae), Labcorp
Classification: Uncertain significance for Glycine encephalopathy. Last evaluated: 2021-09-24. Review status: criteria provided, single submitter. Criteria: Invitae Variant Classification Sherloc (09022015). Collection method: clinical testing. Allele origin: germline.
Comment: This sequence change replaces alanine with valine at codon 569 of the GLDC protein (p.Ala569Val). The alanine residue is weakly conserved and there is a small physicochemical difference between alanine and valine. This variant is not present in population databases (ExAC no frequency). This variant has not been reported in the literature in individuals with GLDC-related conditions. Algorithms developed to predict the effect of missense changes on protein structure and function (SIFT, PolyPhen-2, Align-GVGD) all suggest that this variant is likely to be tolerated, but these predictions have not been confirmed by published functional studies and their clinical significance is uncertain. In summary, the available evidence is currently insufficient to determine the role of this variant in disease. Therefore, it has been classified as a Variant of Uncertain Significance.

NM_000170.3(GLDC):c.1706C>T (p.Ala569Val)

Gene: GLDC (glycine decarboxylase; minus strand). Cytogenetic location: 9p24.1.
Variant type: single nucleotide variant.
Coding change: c.1706C>T on transcript NM_000170.3 (MANE Select); coding-DNA position 1706, C replaced by T.
Protein change: p.Ala569Val; replaces alanine 569 with valine.
Molecular consequence: missense variant.
Genome position (GRCh38, 1-based): chr9:6,588,402, G>A on the plus strand (C>T on the coding strand, the complement: GLDC is on the minus strand). VCF-style: chr9-6588402-G-A. GRCh37 (hg19) VCF-style: chr9-6588402-G-A.
Other names: short protein forms A569V.
Identifiers: ClinVar variation 1382965 (VCV001382965.5), dbSNP rs1263586630, ClinGen allele CA372892142.